The following is an entry in ClinVar:

NM_145046.5(CALR3):c.16G>A (p.Val6Ile)

Gene: CALR3 (calreticulin 3; minus strand). Cytogenetic location: 19p13.11.
Variant type: single nucleotide variant.
Coding change: c.16G>A on transcript NM_145046.5 (MANE Select); coding-DNA position 16, G replaced by A.
Protein change: p.Val6Ile; replaces valine 6 with isoleucine.
Molecular consequence: missense variant.
Genome position (GRCh38, 1-based): chr19:16,496,114, C>T on the plus strand (G>A on the coding strand, the complement: CALR3 is on the minus strand). VCF-style: chr19-16496114-C-T. GRCh37 (hg19) VCF-style: chr19-16606925-C-T.
Other names: c.16G>A (NM_145046.3); short protein forms V6I.
Identifiers: ClinVar variation 648728 (VCV000648728.10), dbSNP rs747264355, ClinGen allele CA9278549.

ClinVar aggregate classification (germline): Uncertain significance. Review status: criteria provided, multiple submitters, no conflicts (2 of 4 stars). 2 submissions from 2 submitters: Uncertain significance (2). Last evaluated 2025-08-14.

Conditions:
Hypertrophic cardiomyopathy 19. Also called: Familial hypertrophic cardiomyopathy 19. Identifiers: MedGen CN077603, MONDO:0013476.

Allele frequency attached by ClinVar (database versions not stated): gnomAD exomes 0.00001; ExAC 0.00003.

Submissions (2):

Ambry Genetics
Classification: Uncertain significance. Last evaluated: 2025-08-14. Review status: criteria provided, single submitter. Criteria: Ambry Variant Classification Scheme 2023. Collection method: clinical testing. Allele origin: germline.

Labcorp Genetics (formerly Invitae), Labcorp
Classification: Uncertain significance for Hypertrophic cardiomyopathy 19. Last evaluated: 2024-11-07. Review status: criteria provided, single submitter. Criteria: Invitae Variant Classification Sherloc (09022015). Collection method: clinical testing. Allele origin: germline.
Comment: This sequence change replaces valine, which is neutral and non-polar, with isoleucine, which is neutral and non-polar, at codon 6 of the CALR3 protein (p.Val6Ile). This variant is present in population databases (rs747264355, gnomAD 0.002%). This variant has not been reported in the literature in individuals affected with CALR3-related conditions. ClinVar contains an entry for this variant (Variation ID: 648728). An algorithm developed to predict the effect of missense changes on protein structure and function (PolyPhen-2) suggests that this variant is likely to be tolerated. In summary, the available evidence is currently insufficient to determine the role of this variant in disease. Therefore, it has been classified as a Variant of Uncertain Significance.